The following is an entry in ClinVar:

ClinVar aggregate classification (germline): Uncertain significance (1 of 4 stars; one submission).

gnomAD v4.1: 8 of 1,613,830 alleles (0.0005%); highest among the groups gnomAD compares: South Asian, 0.0022%; no homozygotes.

Submission:

Labcorp Genetics (formerly Invitae), Labcorp
Classification: Uncertain significance. Last evaluated: 2024-06-20. Review status: criteria provided, single submitter. Criteria: Invitae Variant Classification Sherloc (09022015). Collection method: clinical testing. Allele origin: germline.
Comment: This sequence change replaces valine, which is neutral and non-polar, with isoleucine, which is neutral and non-polar, at codon 178 of the RELA protein (p.Val178Ile). This variant is not present in population databases (gnomAD no frequency). This variant has not been reported in the literature in individuals affected with RELA-related conditions. An algorithm developed to predict the effect of missense changes on protein structure and function (PolyPhen-2) suggests that this variant is likely to be tolerated. In summary, the available evidence is currently insufficient to determine the role of this variant in disease. Therefore, it has been classified as a Variant of Uncertain Significance.

NM_021975.4(RELA):c.532G>A (p.Val178Ile)

Gene: RELA (RELA proto-oncogene, NF-kB subunit; minus strand). Cytogenetic location: 11q13.1.
Variant type: single nucleotide variant.
Coding change: c.532G>A on transcript NM_021975.4 (MANE Select); coding-DNA position 532, G replaced by A.
Protein change: p.Val178Ile; replaces valine 178 with isoleucine.
Molecular consequence: missense variant.
Genome position (GRCh38, 1-based): chr11:65,659,693, C>T on the plus strand (G>A on the coding strand, the complement: RELA is on the minus strand). VCF-style: chr11-65659693-C-T. GRCh37 (hg19) VCF-style: chr11-65427164-C-T.
Other names: c.523G>A, p.Val175Ile (NM_001145138.2); c.532G>A, p.Val178Ile (NM_001243984.2, NM_001243985.2, NM_001404659.1 and 1 more transcripts); c.565G>A, p.Val189Ile (NM_001404657.1); c.505G>A, p.Val169Ile (NM_001404658.1); c.151G>A, p.Val51Ile (NM_001404661.1); c.439G>A, p.Val147Ile (NM_001404662.1, NM_001404663.1); short protein forms V147I, V169I, V175I, V178I, V189I, V51I.
Identifiers: ClinVar variation 3619597 (VCV003619597.2).
Genomic context (GRCh38, chr11:65,659,693, plus strand): 5'-CTCTCCCCTTCCTGCGTCTCCCTCGCTACTCACGATTGTCAAAGATGGGATGAGAAAGGA[C>T]AGGCGGCAGGCGGAGGGGCCTGCCTGATGGGTCCCGCACTGTCACCTGGAAGCAGAGCCG-3'
Protein context (NP_068810.3, residues 168-188): PSGRPLRLPP[Val178Ile]LSHPIFDNRA